The following is an entry in ClinVar:

NM_006245.4(PPP2R5D):c.1558C>T (p.Pro520Ser)

Gene: PPP2R5D (protein phosphatase 2 regulatory subunit B'delta; plus strand). Cytogenetic location: 6p21.1.
Variant type: single nucleotide variant.
Coding change: c.1558C>T on transcript NM_006245.4 (MANE Select); coding-DNA position 1558, C replaced by T.
Protein change: p.Pro520Ser; replaces proline 520 with serine.
Molecular consequence: missense variant.
Genome position (GRCh38, 1-based): chr6:43,010,884, C>T. VCF-style: chr6-43010884-C-T. GRCh37 (hg19) VCF-style: chr6-42978622-C-T.
Other names: c.1105C>T, p.Pro369Ser (NM_001270476.2); c.1462C>T, p.Pro488Ser (NM_180976.3); c.1240C>T, p.Pro414Ser (NM_180977.3); short protein forms P488S, P369S, P414S, P520S.
Identifiers: ClinVar variation 747966 (VCV000747966.32), dbSNP rs139183911, ClinGen allele CA3812110.

ClinVar aggregate classification (germline): Conflicting classifications of pathogenicity. Review status: criteria provided, conflicting classifications (1 of 4 stars). 5 submissions from 5 submitters: Uncertain significance (1); Benign (1); Likely benign (2). 1 of the submissions does not count toward it. Last evaluated 2025-12-19.

Conditions:
PPP2R5D-related disorder. Also called: PPP2R5D-related condition.
Houge-Janssens syndrome 1. Also called: PPP2R5D-Related Neurodevelopmental Disorder; Intellectual disability-macrocephaly-hypotonia-behavioral abnormalities syndrome; Hogue-Janssens syndrome 1; INTELLECTUAL DEVELOPMENTAL DISORDER, AUTOSOMAL DOMINANT 35. Identifiers: Orphanet 457279, MedGen C5779996, MONDO:0014602, OMIM 616355.

Allele frequency attached by ClinVar (database versions not stated): gnomAD exomes 0.00007 and 0.00014; ExAC 0.00018; ESP Exome Variant Server 0.00023; TOPMed 0.00045; gnomAD 0.00050; 1000 Genomes Project 0.00060; 1000 Genomes Project 30x 0.00062.

Submissions (5):

Labcorp Genetics (formerly Invitae), Labcorp
Classification: Likely benign. Last evaluated: 2025-12-19. Review status: criteria provided, single submitter. Criteria: Invitae Variant Classification Sherloc (09022015). Collection method: clinical testing. Allele origin: germline.

CeGaT Center for Human Genetics Tuebingen
Classification: Likely benign. Last evaluated: 2024-06-01. Review status: criteria provided, single submitter. Criteria: CeGaT Center For Human Genetics Tuebingen Variant Classification Criteria Version 2. Collection method: clinical testing. Allele origin: germline. Affected: yes. Observed: 1 variant allele.
Comment: PPP2R5D: PP2, BS1

Revvity Omics, Revvity
Classification: Uncertain significance for Houge-Janssens syndrome 1. Last evaluated: 2021-04-19. Review status: criteria provided, single submitter. Criteria: ACMG Guidelines, 2015. Collection method: clinical testing. Allele origin: germline.

GeneDx
Classification: Benign. Last evaluated: 2019-11-21. Review status: criteria provided, single submitter. Criteria: GeneDx Variant Classification Process June 2021. Collection method: clinical testing. Allele origin: germline. Affected: yes.

PreventionGenetics, part of Exact Sciences
Classification: Likely benign for PPP2R5D-related condition. Last evaluated: 2021-11-16. Review status: no assertion criteria provided. Collection method: clinical testing. Allele origin: germline. Not counted in ClinVar's aggregate classification.
Comment: This variant is classified as likely benign based on ACMG/AMP sequence variant interpretation guidelines (Richards et al. 2015 PMID: 25741868, with internal and published modifications).